The following is an entry in ClinVar:

NM_198253.3(TERT):c.3190C>T (p.Pro1064Ser)

Gene: TERT (telomerase reverse transcriptase; minus strand). Cytogenetic location: 5p15.33.
Variant type: single nucleotide variant.
Coding change: c.3190C>T on transcript NM_198253.3 (MANE Select); coding-DNA position 3190, C replaced by T.
Protein change: p.Pro1064Ser; replaces proline 1064 with serine.
Molecular consequence: missense variant. On other transcripts: non-coding transcript variant (2).
Genome position (GRCh38, 1-based): chr5:1,254,473, G>A on the plus strand (C>T on the coding strand, the complement: TERT is on the minus strand). VCF-style: chr5-1254473-G-A. GRCh37 (hg19) VCF-style: chr5-1254588-G-A.
Other names: c.3001C>T, p.Pro1001Ser (NM_001193376.3); short protein forms P1064S, P1001S.
Identifiers: ClinVar variation 4791398 (VCV004791398.1).

ClinVar aggregate classification (germline): Uncertain significance (1 of 4 stars; one submission).

Conditions:
Idiopathic Pulmonary Fibrosis. Also called: Idiopathic fibrosing alveolitis, chronic form; idiopathic fibrosing alveolitis. Identifiers: Orphanet 2032, MedGen C1800706, MeSH D054990, MONDO:0800504.
Dyskeratosis congenita, autosomal dominant 2. Identifiers: MedGen C3151443, MONDO:0013521, OMIM 613989.

Submission:

Labcorp Genetics (formerly Invitae), Labcorp
Classification: Uncertain significance for Dyskeratosis congenita, autosomal dominant 2; Idiopathic Pulmonary Fibrosis. Last evaluated: 2025-04-26. Review status: criteria provided, single submitter. Criteria: Invitae Variant Classification Sherloc (09022015). Collection method: clinical testing. Allele origin: germline.
Comment: This sequence change replaces proline, which is neutral and non-polar, with serine, which is neutral and polar, at codon 1064 of the TERT protein (p.Pro1064Ser). This variant is not present in population databases (gnomAD no frequency). This variant has not been reported in the literature in individuals affected with TERT-related conditions. An algorithm developed to predict the effect of missense changes on protein structure and function outputs the following: PolyPhen-2: "Benign". The serine amino acid residue is found in multiple mammalian species, which suggests that this missense change does not adversely affect protein function. In summary, the available evidence is currently insufficient to determine the role of this variant in disease. Therefore, it has been classified as a Variant of Uncertain Significance.